The following is an entry in ClinVar:

ClinVar aggregate classification (germline): Uncertain significance. Review status: criteria provided, multiple submitters, no conflicts (2 of 4 stars). 4 submissions from 4 submitters: Uncertain significance (4). Last evaluated 2024-05-03.

Conditions:
Cenani-Lenz syndactyly syndrome. Also called: SYNDACTYLY, TYPE VII; CENANI SYNDACTYLISM. Identifiers: Orphanet 3258, MedGen C1859309, MONDO:0008931, OMIM 212780.
Sclerosteosis 2 (SOST2). Identifiers: Orphanet 3152, MedGen C3280402, MONDO:0013679, OMIM 614305.
Congenital myasthenic syndrome 17. Identifiers: Orphanet 590, MedGen C4225377, MONDO:0014578, OMIM 616304.
Inborn genetic diseases. Identifiers: MedGen C0950123, MeSH D030342.

Allele frequency attached by ClinVar (database versions not stated): gnomAD exomes 0.00006; TOPMed 0.00006; gnomAD 0.00007 and 0.00008; ExAC 0.00008.
gnomAD v4.1: 76 of 1,614,002 alleles (0.0047%); highest among the groups gnomAD compares: Middle Eastern, 0.016%; no homozygotes.

Submissions (4):

Fulgent Genetics
Classification: Uncertain significance for Cenani-Lenz syndactyly syndrome; Sclerosteosis 2; Congenital myasthenic syndrome 17. Last evaluated: 2024-05-03. Review status: criteria provided, single submitter. Criteria: ACMG Guidelines, 2015. Collection method: clinical testing. Allele origin: germline.

Ambry Genetics
Classification: Uncertain significance for Inborn genetic diseases. Last evaluated: 2022-09-22. Review status: criteria provided, single submitter. Criteria: Ambry Variant Classification Scheme 2023. Collection method: clinical testing. Allele origin: germline.

Labcorp Genetics (formerly Invitae), Labcorp
Classification: Uncertain significance for Cenani-Lenz syndactyly syndrome; Sclerosteosis 2; Congenital myasthenic syndrome 17. Last evaluated: 2021-09-01. Review status: criteria provided, single submitter. Criteria: Invitae Variant Classification Sherloc (09022015). Collection method: clinical testing. Allele origin: germline.
Comment: This sequence change replaces valine with methionine at codon 1395 of the LRP4 protein (p.Val1395Met). The valine residue is highly conserved and there is a small physicochemical difference between valine and methionine. This variant is present in population databases (rs774275092, ExAC 0.01%). This variant has not been reported in the literature in individuals affected with LRP4-related conditions. ClinVar contains an entry for this variant (Variation ID: 872376). Algorithms developed to predict the effect of missense changes on protein structure and function are either unavailable or do not agree on the potential impact of this missense change (SIFT: "Deleterious"; PolyPhen-2: "Possibly Damaging"; Align-GVGD: "Class C15"). In summary, the available evidence is currently insufficient to determine the role of this variant in disease. Therefore, it has been classified as a Variant of Uncertain Significance.

CeGaT Center for Human Genetics Tuebingen
Classification: Uncertain significance. Last evaluated: 2019-09-01. Review status: criteria provided, single submitter. Criteria: CeGaT Center For Human Genetics Tuebingen Variant Classification Criteria Version 2. Collection method: clinical testing. Allele origin: germline. Affected: yes. Observed: 1 variant allele.

NM_002334.4(LRP4):c.4183G>A (p.Val1395Met)

Gene: LRP4 (LDL receptor related protein 4; minus strand). Cytogenetic location: 11p11.2.
Variant type: single nucleotide variant.
Coding change: c.4183G>A on transcript NM_002334.4 (MANE Select); coding-DNA position 4183, G replaced by A.
Protein change: p.Val1395Met; replaces valine 1395 with methionine.
Molecular consequence: missense variant.
Genome position (GRCh38, 1-based): chr11:46,874,846, C>T on the plus strand (G>A on the coding strand, the complement: LRP4 is on the minus strand). VCF-style: chr11-46874846-C-T. GRCh37 (hg19) VCF-style: chr11-46896397-C-T.
Other names: c.4183G>A (NM_002334.3); short protein forms V1395M.
Identifiers: ClinVar variation 872376 (VCV000872376.47), dbSNP rs774275092, ClinGen allele CA5969398.